The following is an entry in ClinVar:

ClinVar aggregate classification (germline): Uncertain significance (1 of 4 stars; one submission).

Submission:

Ambry Genetics
Classification: Uncertain significance. Last evaluated: 2024-11-11. Review status: criteria provided, single submitter. Criteria: Ambry Variant Classification Scheme 2023. Collection method: clinical testing. Allele origin: germline.
Comment: The p.F398L variant (also known as c.1194C>G), located in coding exon 9 of the RINT1 gene, results from a C to G substitution at nucleotide position 1194. The phenylalanine at codon 398 is replaced by leucine, an amino acid with highly similar properties. This amino acid position is highly conserved in available vertebrate species. In addition, the in silico prediction for this alteration is inconclusive. The evidence for this gene-disease relationship is limited; therefore, the clinical significance of this alteration is unclear.

NM_021930.6(RINT1):c.1194C>G (p.Phe398Leu)

Gene: RINT1 (RAD50 interactor 1; plus strand). Cytogenetic location: 7q22.3.
Variant type: single nucleotide variant.
Coding change: c.1194C>G on transcript NM_021930.6 (MANE Select); coding-DNA position 1194, C replaced by G.
Protein change: p.Phe398Leu; replaces phenylalanine 398 with leucine.
Molecular consequence: missense variant. On other transcripts: non-coding transcript variant (1).
Genome position (GRCh38, 1-based): chr7:105,550,347, C>G. VCF-style: chr7-105550347-C-G. GRCh37 (hg19) VCF-style: chr7-105190794-C-G.
Other names: c.960C>G, p.Phe320Leu (NM_001346599.2); c.171C>G, p.Phe57Leu (NM_001346600.2, NM_001346603.2); c.270C>G, p.Phe90Leu (NM_001346601.2); short protein forms F57L, F398L, F90L, F320L.
Identifiers: ClinVar variation 3433561 (VCV003433561.1).